The following is an entry in ClinVar:

ClinVar aggregate classification (germline): Uncertain significance (1 of 4 stars; one submission).

Conditions:
Multiple endocrine neoplasia, type 1 (MEN1). Also called: MEN I; WERMER SYNDROME; Endocrine adenomatosis multiple; MEN 1; MEA I. Identifiers: Orphanet 652, MedGen C0025267, MeSH D018761, MONDO:0007540, OMIM 131100.

Submission:

Labcorp Genetics (formerly Invitae), Labcorp
Classification: Uncertain significance for Multiple endocrine neoplasia, type 1. Last evaluated: 2016-02-25. Review status: criteria provided, single submitter. Criteria: Invitae Variant Classification Sherloc (09022015). Collection method: clinical testing. Allele origin: germline.
Comment: This variant is not present in population databases (ExAC no frequency) and has not been reported in the literature in individuals with a MEN1-related disease. This sequence change replaces glycine with glutamic acid at codon 190 of the MEN1 protein (p.Gly190Glu). The glycine residue is highly conserved and there is a moderate physicochemical difference between glycine and glutamic acid. Algorithms developed to predict the effect of missense changes on protein structure and function do not agree on the potential impact of this missense change (SIFT: "Tolerated"; PolyPhen-2: "Possibly Damaging"; Align-GVGD: "Class C0"). In summary, this is a novel missense change with uncertain impact on protein function. It has been classified as a Variant of Uncertain Significance.

NM_001370259.2(MEN1):c.569G>A (p.Gly190Glu)

Gene: MEN1 (menin 1; minus strand). Cytogenetic location: 11q13.1.
Variant type: single nucleotide variant.
Coding change: c.569G>A on transcript NM_001370259.2 (MANE Select); coding-DNA position 569, G replaced by A.
Protein change: p.Gly190Glu; replaces glycine 190 with glutamic acid.
Molecular consequence: missense variant. On other transcripts: intron variant (2).
Genome position (GRCh38, 1-based): chr11:64,807,976, C>T on the plus strand (G>A on the coding strand, the complement: MEN1 is on the minus strand). VCF-style: chr11-64807976-C-T. GRCh37 (hg19) VCF-style: chr11-64575448-C-T.
Other names: c.569G>A, p.Gly190Glu (NM_001370251.2, NM_001370260.2, NM_001370261.2 and 1 more transcripts); c.584G>A, p.Gly195Glu (NM_130800.3, NM_130801.3, NM_130802.3 and 3 more transcripts); c.549+20G>A (NM_001370263.2, NM_001370262.2); short protein forms G190E, G195E.
Identifiers: ClinVar variation 241817 (VCV000241817.8), dbSNP rs878855195, ClinGen allele CA10582941.